The following is an entry in ClinVar:

ClinVar aggregate classification (germline): Likely benign. Review status: criteria provided, multiple submitters, no conflicts (2 of 4 stars). 4 submissions from 4 submitters: Likely benign (4). Last evaluated 2025-12-30.

Conditions:
Hereditary cancer-predisposing syndrome. Also called: Hereditary neoplastic syndrome; Tumor predisposition; Neoplastic Syndromes, Hereditary; Hereditary Cancer Syndrome. Identifiers: Orphanet 140162, MedGen C0027672, MeSH D009386, MONDO:0015356.
Breast-ovarian cancer, familial, susceptibility to, 3. Also called: RAD51C-Related Breast/Ovarian Cancer. Identifiers: Orphanet 145, MedGen C3150659, MONDO:0013253, OMIM 613399.
Fanconi anemia complementation group O. Also called: RAD51C-Related Fanconi Anemia. Identifiers: Orphanet 84, MedGen C3150653, MONDO:0013248, OMIM 613390.

Allele frequency attached by ClinVar (database versions not stated): gnomAD exomes 0.00001 and 0.00003; TOPMed 0.00001; ExAC 0.00002; gnomAD 0.00003.
gnomAD v4.1: 22 of 1,606,744 alleles (0.0014%); highest among the groups gnomAD compares: Non-Finnish European, 0.0018%; no homozygotes.

Submissions (4):

Labcorp Genetics (formerly Invitae), Labcorp
Classification: Likely benign for Fanconi anemia complementation group O. Last evaluated: 2025-12-30. Review status: criteria provided, single submitter. Criteria: Invitae Variant Classification Sherloc (09022015). Collection method: clinical testing. Allele origin: germline.

Fulgent Genetics
Classification: Likely benign for Fanconi anemia complementation group O; Breast-ovarian cancer, familial, susceptibility to, 3. Last evaluated: 2022-04-24. Review status: criteria provided, single submitter. Criteria: ACMG Guidelines, 2015. Collection method: clinical testing. Allele origin: unknown.

GeneDx
Classification: Likely benign. Last evaluated: 2016-09-26. Review status: criteria provided, single submitter. Criteria: GeneDx Variant Classification (06012015). Collection method: clinical testing. Allele origin: germline. Affected: yes.
Comment: This variant is considered likely benign or benign based on one or more of the following criteria: it is a conservative change, it occurs at a poorly conserved position in the protein, it is predicted to be benign by multiple in silico algorithms, and/or has population frequency not consistent with disease.

Color Diagnostics, LLC DBA Color Health
Classification: Likely benign for Hereditary cancer-predisposing syndrome. Last evaluated: 2016-01-06. Review status: criteria provided, single submitter. Criteria: ACMG Guidelines, 2015. Collection method: clinical testing. Allele origin: germline.

NM_058216.3(RAD51C):c.705+14T>C

Genes: RAD51C (RAD51 paralog C; plus strand), LOC129390903 (MPRA-validated peak2919 silencer; plus strand). Cytogenetic location: 17q22.
Variant type: single nucleotide variant.
Coding change: c.705+14T>C on transcript NM_058216.3 (MANE Select); 14 bases into the intron after coding-DNA position 705, T replaced by C.
Molecular consequence: intron variant.
Genome position (GRCh38, 1-based): chr17:58,703,343, T>C. VCF-style: chr17-58703343-T-C. GRCh37 (hg19) VCF-style: chr17-56780704-T-C.
Other names: c.705+14T>C (LRG_314t1).
Identifiers: ClinVar variation 378460 (VCV000378460.12), dbSNP rs771168730, ClinGen allele CA8677297.